The following is an entry in ClinVar:

NM_002691.4(POLD1):c.1605G>C (p.Met535Ile)

Gene: POLD1 (DNA polymerase delta 1, catalytic subunit; plus strand). Cytogenetic location: 19q13.33.
Variant type: single nucleotide variant.
Coding change: c.1605G>C on transcript NM_002691.4 (MANE Select); coding-DNA position 1605, G replaced by C.
Protein change: p.Met535Ile; replaces methionine 535 with isoleucine.
Molecular consequence: missense variant. On other transcripts: non-coding transcript variant (1).
Genome position (GRCh38, 1-based): chr19:50,407,093, G>C. VCF-style: chr19-50407093-G-C. GRCh37 (hg19) VCF-style: chr19-50910350-G-C.
Other names: c.1605G>C, p.Met535Ile (NM_001256849.1, NM_001308632.1); short protein forms M535I.
Identifiers: ClinVar variation 484416 (VCV000484416.12), dbSNP rs1555791404, ClinGen allele CA406980958.
Genomic context (GRCh38, chr19:50,407,093, plus strand): 5'-TGCCTACCTGCCACTGCGGCTGCTGGAGCGGCTCATGGTGCTGGTGAACGCCGTGGAGAT[G>C]GCGAGGGTCACTGGCGTGCCCCTCAGCTACCTGCTCAGTCGTGGCCAGCAGGTCAAGGTC-3'
Protein context (NP_002682.2, residues 525-545): RLMVLVNAVE[Met535Ile]ARVTGVPLSY

ClinVar aggregate classification (germline): Uncertain significance. Review status: criteria provided, multiple submitters, no conflicts (2 of 4 stars). 3 submissions from 3 submitters: Uncertain significance (3). Last evaluated 2025-12-08.

Conditions:
Hereditary cancer-predisposing syndrome. Also called: Tumor predisposition; Hereditary Cancer Syndrome; Hereditary neoplastic syndrome; Neoplastic Syndromes, Hereditary. Identifiers: Orphanet 140162, MedGen C0027672, MeSH D009386, MONDO:0015356.
POLD1-related polyposis and colorectal cancer syndrome (CRCS10). Also called: Colorectal cancer 10; COLORECTAL CANCER, SUSCEPTIBILITY TO, ON CHROMOSOME 19q; Colorectal cancer, susceptibility to, 10. Identifiers: Orphanet 220460, MedGen C2675481, MONDO:0012953, OMIM 612591.

Submissions (3):

Labcorp Genetics (formerly Invitae), Labcorp
Classification: Uncertain significance for POLD1-related polyposis and colorectal cancer syndrome. Last evaluated: 2025-12-08. Review status: criteria provided, single submitter. Criteria: Invitae Variant Classification Sherloc (09022015). Collection method: clinical testing. Allele origin: germline.
Comment: This sequence change replaces methionine, which is neutral and non-polar, with isoleucine, which is neutral and non-polar, at codon 535 of the POLD1 protein (p.Met535Ile). This variant is not present in population databases (gnomAD no frequency). This variant has not been reported in the literature in individuals affected with POLD1-related conditions. ClinVar contains an entry for this variant (Variation ID: 484416). Invitae Evidence Modeling of protein sequence and biophysical properties (such as structural, functional, and spatial information, amino acid conservation, physicochemical variation, residue mobility, and thermodynamic stability) indicates that this missense variant is not expected to disrupt POLD1 protein function with a negative predictive value of 80%. In summary, the available evidence is currently insufficient to determine the role of this variant in disease. Therefore, it has been classified as a Variant of Uncertain Significance.

Ambry Genetics
Classification: Uncertain significance for Hereditary cancer-predisposing syndrome. Last evaluated: 2023-10-15. Review status: criteria provided, single submitter. Criteria: Ambry Variant Classification Scheme 2023. Collection method: clinical testing. Allele origin: germline.
Comment: The p.M535I variant (also known as c.1605G>C), located in coding exon 12 of the POLD1 gene, results from a G to C substitution at nucleotide position 1605. The methionine at codon 535 is replaced by isoleucine, an amino acid with highly similar properties. This amino acid position is highly conserved in available vertebrate species. In addition, the in silico prediction for this alteration is inconclusive. Since supporting evidence is limited at this time, the clinical significance of this alteration remains unclear.

Baylor Genetics
Classification: Uncertain significance for POLD1-related polyposis and colorectal cancer syndrome. Last evaluated: 2023-07-06. Review status: criteria provided, single submitter. Criteria: ACMG Guidelines, 2015. Collection method: clinical testing. Allele origin: unknown.